The following is an entry in ClinVar:

ClinVar aggregate classification (germline): Conflicting classifications of pathogenicity. Review status: criteria provided, conflicting classifications (1 of 4 stars). 11 submissions from 11 submitters: Uncertain significance (7); Likely benign (3). 1 of the submissions does not count toward it. Last evaluated 2026-01-13.

Conditions:
Birt-Hogg-Dube syndrome 1 (BHD1). Also called: FIBROFOLLICULOMAS WITH TRICHODISCOMAS AND ACROCHORDONS. Identifiers: Orphanet 122, MedGen CN375946, MONDO:0800445, OMIM 135150.
FLCN-related disorder. Also called: FLCN-related condition.
Familial spontaneous pneumothorax (PSP). Identifiers: Orphanet 2903, MedGen C1868193, MONDO:0008259, OMIM 173600.
17p11.2 microduplication syndrome (PTLS). Also called: CHROMOSOME 17p11.2 DUPLICATION SYNDROME; Potocki-Lupski syndrome; Duplication 17p11.2 syndrome; Potocki-Lupski syndrome (dup(17)(p11.2p11.2)). Identifiers: Orphanet 1713, MedGen C2931246, MONDO:0012574, OMIM 610883.
Colorectal cancer. Also called: Colorectal cancer, somatic; Malignant Colorectal Neoplasm. Identifiers: MedGen C0346629, MONDO:0005575, OMIM 114500.
Birt-Hogg-Dube syndrome. Also called: Birt Hogg Dubé syndrome. Identifiers: Orphanet 122, MedGen C0346010, MONDO:0800444.
Nonpapillary renal cell carcinoma. Identifiers: Orphanet 422526, MedGen CN074294, MONDO:0007763, OMIM 144700.
Hereditary cancer-predisposing syndrome. Also called: Neoplastic Syndromes, Hereditary; Tumor predisposition; Hereditary Cancer Syndrome; Hereditary neoplastic syndrome. Identifiers: Orphanet 140162, MedGen C0027672, MeSH D009386, MONDO:0015356.

Allele frequency attached by ClinVar (database versions not stated): gnomAD 0.00002 and 0.00003; TOPMed 0.00005; gnomAD exomes 0.00006 and 0.00008; ExAC 0.00007; ESP Exome Variant Server 0.00008; 1000 Genomes Project 30x 0.00031; 1000 Genomes Project 0.00040.
gnomAD v4.1: 125 of 1,613,708 alleles (0.0077%); highest among the groups gnomAD compares: Middle Eastern, 0.017%; no homozygotes.

Submissions (12):

Labcorp Genetics (formerly Invitae), Labcorp
Classification: Likely benign for Birt-Hogg-Dube syndrome. Last evaluated: 2026-01-13. Review status: criteria provided, single submitter. Criteria: Invitae Variant Classification Sherloc (09022015). Collection method: clinical testing. Allele origin: germline.

Center for Genomic Medicine, Rigshospitalet, Copenhagen University Hospital
Classification: Uncertain significance. Last evaluated: 2025-03-04. Review status: criteria provided, single submitter. Criteria: ACMG Guidelines, 2015. Collection method: clinical testing. Allele origin: germline.

PreventionGenetics, part of Exact Sciences
Classification: Uncertain significance for FLCN-related condition. Last evaluated: 2025-02-07. Review status: criteria provided, single submitter. Criteria: ACMG Guidelines, 2015. Collection method: clinical testing. Allele origin: germline.
Comment: The FLCN c.1049G>A variant is predicted to result in the amino acid substitution p.Arg350Gln. This variant has been reported in a healthy individual evaluated for germline variation in cancer-susceptibility genes (Table S1, Bodian et al. 2014. PubMed ID: 24728327). This variant is reported in 0.012% of alleles in individuals of European (Non-Finnish) descent in gnomAD and has conflicting interpretations regarding its pathogenicity in ClinVar, ranging from likely benign to uncertain. Although we suspect that this variant may be benign, at this time, the clinical significance of this variant is uncertain due to the absence of conclusive functional and genetic evidence.

GeneDx
Classification: Uncertain significance. Last evaluated: 2025-01-07. Review status: criteria provided, single submitter. Criteria: GeneDx Variant Classification Process June 2021. Collection method: clinical testing. Allele origin: germline. Affected: yes.
Comment: In silico analysis indicates that this missense variant does not alter protein structure/function; Has not been previously published as pathogenic or benign to our knowledge; This variant is associated with the following publications: (PMID: 24728327, 28166811, 17028174)

Myriad Genetics, Inc.
Classification: Likely benign for Birt-Hogg-Dube syndrome 1. Last evaluated: 2024-10-23. Review status: criteria provided, single submitter. Criteria: Myriad Autosomal Dominant, Autosomal Recessive and X-Linked Classification Criteria (2023). Collection method: clinical testing. Allele origin: unknown.
Comment: This variant is considered likely benign. This variant has been observed at a population frequency that is significantly greater than expected given the associated disease prevalence and penetrance.

Quest Diagnostics Nichols Institute San Juan Capistrano
Classification: Uncertain significance. Last evaluated: 2024-09-02. Review status: criteria provided, single submitter. Criteria: Quest Diagnostics criteria. Collection method: clinical testing. Allele origin: unknown.
Comment: The FLCN c.1049G>A (p.Arg350Gln) variant has been observed in the published literature in reportedly healthy individuals (PMID: 24728327 (2014)). The frequency of this variant in the general population, 0.00012 (15/128762 chromosomes in European (Non-Finnish) subpopulation (Genome Aggregation Database)), is higher than would generally be expected for pathogenic variants in this gene. Analysis of this variant using bioinformatics tools for the prediction of the effect of amino acid changes on protein structure and function yielded conflicting predictions that this variant is benign or damaging. Based on the available information, we are unable to determine the clinical significance of this variant.

Ambry Genetics
Classification: Likely benign for Hereditary cancer-predisposing syndrome. Last evaluated: 2022-08-08. Review status: criteria provided, single submitter. Criteria: Ambry Variant Classification Scheme 2023. Collection method: clinical testing. Allele origin: germline.

Revvity Omics, Revvity
Classification: Uncertain significance. Last evaluated: 2022-01-03. Review status: criteria provided, single submitter. Criteria: ACMG Guidelines, 2015. Collection method: clinical testing. Allele origin: germline.

Sema4
Classification: Uncertain significance for Hereditary cancer-predisposing syndrome. Last evaluated: 2021-11-15. Review status: criteria provided, single submitter. Criteria: Sema4 Curation Guidelines. Collection method: curation. Allele origin: germline.
Comment: To the best of our knowledge, the FLCN c.1049G>A (p.R350Q) variant has not been reported in individuals with FLCN-related disease. It was observed in 15/128762 chromosomes of the Non-Finnish European subpopulation, with no homozygotes, in the Genome Aggregation Database (PMID: 32461654). The variant has been reported in ClinVar (Variation ID 134432). Functional studies have not been performed, and in silico predictions of the variant's effect on protein function are inconclusive. The evidence is insufficient to meet ACMG/AMP criteria for classifying the variant as benign or pathogenic. Thus, the clinical significance of this variant is currently uncertain.

Fulgent Genetics
Classification: Uncertain significance for Colorectal cancer; Birt-Hogg-Dube syndrome 1; Nonpapillary renal cell carcinoma; Familial spontaneous pneumothorax; 17p11.2 microduplication syndrome. Last evaluated: 2021-10-05. Review status: criteria provided, single submitter. Criteria: ACMG Guidelines, 2015. Collection method: clinical testing. Allele origin: unknown.

ITMI
No classification provided. Condition: AllHighlyPenetrant. Last evaluated: 2013-09-19. Review status: no classification provided. Collection method: reference population. Allele origin: germline. Not counted in ClinVar's aggregate classification.
Comment: Please see associated publication for description of ethnicities

Dr. Peter K. Rogan Lab, Western University
No classification provided (evidence only). Condition: Ovarian serous cystadenocarcinoma. Review status: no classification provided. Collection method: in vitro. Allele origin: not applicable. Functional consequence: retained intron. Not counted in ClinVar's aggregate classification.

Literature cited by the submitters: PubMed 24728327 (cited by Quest Diagnostics Nichols Institute San Juan Capistrano and ITMI).

NM_144997.7(FLCN):c.1049G>A (p.Arg350Gln)

Gene: FLCN (folliculin; minus strand). Cytogenetic location: 17p11.2.
Variant type: single nucleotide variant.
Coding change: c.1049G>A on transcript NM_144997.7 (MANE Select); coding-DNA position 1049, G replaced by A.
Protein change: p.Arg350Gln; replaces arginine 350 with glutamine.
Molecular consequence: missense variant.
Genome position (GRCh38, 1-based): chr17:17,219,032, C>T on the plus strand (G>A on the coding strand, the complement: FLCN is on the minus strand). VCF-style: chr17-17219032-C-T. GRCh37 (hg19) VCF-style: chr17-17122346-C-T.
Other names: c.1103G>A, p.Arg368Gln (NM_001353229.2); c.1049G>A, p.Arg350Gln (NM_001353230.2, NM_001353231.2); c.1049G>A (NM_144997.6, LRG_325t1); short protein forms R350Q, R368Q.
Identifiers: ClinVar variation 134432 (VCV000134432.33), dbSNP rs190786280, ClinGen allele CA159798.